The following is an entry in ClinVar:

NM_000539.3(RHO):c.959C>A (p.Thr320Asn)

Gene: RHO (rhodopsin; plus strand). Cytogenetic location: 3q22.1.
Variant type: single nucleotide variant.
Coding change: c.959C>A on transcript NM_000539.3 (MANE Select); coding-DNA position 959, C replaced by A.
Protein change: p.Thr320Asn; replaces threonine 320 with asparagine.
Molecular consequence: missense variant.
Genome position (GRCh38, 1-based): chr3:129,533,630, C>A. VCF-style: chr3-129533630-C-A. GRCh37 (hg19) VCF-style: chr3-129252473-C-A.
Other names: short protein forms T320N.
Identifiers: ClinVar variation 343282 (VCV000343282.17), dbSNP rs138831590, ClinGen allele CA2607346.

ClinVar aggregate classification (germline): Conflicting classifications of pathogenicity. Review status: criteria provided, conflicting classifications (1 of 4 stars). 7 submissions from 6 submitters: Uncertain significance (2); Likely benign (4). 1 of the submissions does not count toward it. Last evaluated 2026-07-13.

Conditions:
Retinitis pigmentosa (RP). Identifiers: Orphanet 791, MedGen C0035334, MeSH D012174, MONDO:0019200, OMIM 268000. Inheritance: Autosomal dominant, autosomal recessive and X linked inheritance.
RHO-related disorder. Also called: RHO-related condition.
Retinal dystrophy. Also called: Inherited retinal dystrophy. Identifiers: Orphanet 71862, MedGen C0854723, MeSH D058499, MONDO:0019118, HP:0000556.
Congenital stationary night blindness autosomal dominant 1. Also called: NIGHT BLINDNESS, CONGENITAL STATIONARY, RHODOPSIN-RELATED. Identifiers: Orphanet 215, MedGen C1864869, MONDO:0012498, OMIM 610445.

Allele frequency attached by ClinVar (database versions not stated): gnomAD 0.00011; TOPMed 0.00013; ExAC 0.00014; 1000 Genomes Project 30x 0.00016; 1000 Genomes Project 0.00020.
gnomAD v4.1: 136 of 1,614,106 alleles (0.0084%); highest among the groups gnomAD compares: Middle Eastern, 0.21%; no homozygotes.

Submissions (7):

PreventionGenetics, part of Exact Sciences
Classification: Uncertain significance for RHO-related condition. Last evaluated: 2026-07-13. Review status: criteria provided, single submitter. Criteria: ACMG Guidelines, 2015. Collection method: clinical testing. Allele origin: germline.
Comment: The RHO c.959C>A variant is predicted to result in the amino acid substitution p.Thr320Asn. This variant has been reported with uncertain significance in individuals with retinitis pigmentosa (Mandal et al. 2005. PubMed ID: 16123440; Table S3, Maggi et al. 2024. PubMed ID: 38928247). A functional study measuring the surface expression of the RHO protein found this amino acid substitution did not negatively affect the level of expression (Table S1, Wan et al. 2019. PubMed ID: 30977563). This variant is present in 0.016% of alleles in individuals of European (Non-Finnish) descent in gnomAD. At this time, the clinical significance of this variant is uncertain due to the absence of conclusive functional and genetic evidence.

Labcorp Genetics (formerly Invitae), Labcorp
Classification: Likely benign. Last evaluated: 2026-01-05. Review status: criteria provided, single submitter. Criteria: Invitae Variant Classification Sherloc (09022015). Collection method: clinical testing. Allele origin: germline.

Blueprint Genetics
Classification: Uncertain significance. Last evaluated: 2024-10-15. Review status: criteria provided, single submitter. Criteria: ACMG Guidelines, 2015. Collection method: clinical testing. Allele origin: germline.

Illumina Laboratory Services, Illumina
Classification: Likely benign for Retinitis pigmentosa. Last evaluated: 2017-04-27. Review status: criteria provided, single submitter. Criteria: ICSL Variant Classification Criteria 13 December 2019. Collection method: clinical testing. Allele origin: germline.
Comment: This variant was observed as part of a predisposition screen in an ostensibly healthy population. A literature search was performed for the gene, cDNA change, and amino acid change (where applicable). Publications were found based on this search. The evidence from the literature, in combination with allele frequency data from public databases where available, was sufficient to determine this variant is unlikely to cause disease. Therefore, this variant is classified as likely benign.

Illumina Laboratory Services, Illumina
Classification: Likely benign for Congenital stationary night blindness autosomal dominant 1. Last evaluated: 2017-04-27. Review status: criteria provided, single submitter. Criteria: ICSL Variant Classification Criteria 13 December 2019. Collection method: clinical testing. Allele origin: germline.
Comment: This variant was observed as part of a predisposition screen in an ostensibly healthy population. A literature search was performed for the gene, cDNA change, and amino acid change (where applicable). No publications were found based on this search. Allele frequency data from public databases allowed determination this variant is unlikely to cause disease. Therefore, this variant is classified as likely benign.

Breakthrough Genomics
Classification: Likely benign. Review status: criteria provided, single submitter. Criteria: ACMG Guidelines, 2015. Collection method: not provided. Allele origin: germline. Inheritance: Autosomal recessive inheritance. Affected: yes.

Institute of Human Genetics, Univ. Regensburg, Univ. Regensburg
Classification: Uncertain significance for Retinal dystrophy. Last evaluated: 2021-01-01. Review status: no assertion criteria provided. Criteria: ACMG Guidelines, 2015. Collection method: clinical testing. Allele origin: germline. Affected: yes. Not counted in ClinVar's aggregate classification.

Literature cited by the submitters: PubMed 16123440 (cited by Illumina Laboratory Services, Illumina).